The following is an entry in ClinVar:

NM_014049.5(ACAD9):c.665T>C (p.Ile222Thr)

Gene: ACAD9 (acyl-CoA dehydrogenase family member 9; plus strand). Cytogenetic location: 3q21.3.
Variant type: single nucleotide variant.
Coding change: c.665T>C on transcript NM_014049.5 (MANE Select); coding-DNA position 665, T replaced by C.
Protein change: p.Ile222Thr; replaces isoleucine 222 with threonine.
Molecular consequence: missense variant. On other transcripts: non-coding transcript variant (1).
Genome position (GRCh38, 1-based): chr3:128,899,318, T>C. VCF-style: chr3-128899318-T-C. GRCh37 (hg19) VCF-style: chr3-128618161-T-C.
Other names: p.I222T:ATT>ACT; short protein forms I222T.
Identifiers: ClinVar variation 213998 (VCV000213998.27), dbSNP rs863223874, ClinGen allele CA321453.

ClinVar aggregate classification (germline): Uncertain significance. Review status: criteria provided, multiple submitters, no conflicts (2 of 4 stars). 3 submissions from 3 submitters: Uncertain significance (2). 1 of the submissions does not count toward it. Last evaluated 2023-10-01.

Conditions:
Acyl-CoA dehydrogenase 9 deficiency. Also called: MITOCHONDRIAL COMPLEX I DEFICIENCY, NUCLEAR TYPE 20; Acyl-CoA dehydrogenase family, member 9, deficiency of. Identifiers: Orphanet 99901, MedGen C4747517, MONDO:0012624, OMIM 611126.

gnomAD v4.1: 10 of 1,614,246 alleles (0.00062%); highest among the groups gnomAD compares: Non-Finnish European, 0.00085%; no homozygotes.

Submissions (3):

CeGaT Center for Human Genetics Tuebingen
Classification: Uncertain significance. Last evaluated: 2023-10-01. Review status: criteria provided, single submitter. Criteria: CeGaT Center For Human Genetics Tuebingen Variant Classification Criteria Version 2. Collection method: clinical testing. Allele origin: germline. Affected: yes. Observed: 1 variant allele.
Comment: ACAD9: PM2

GeneDx
Classification: Uncertain significance. Last evaluated: 2013-06-07. Review status: criteria provided, single submitter. Criteria: GeneDx Variant Classification (06012015). Collection method: clinical testing. Allele origin: germline. Affected: yes.
Comment: p.Ile222Thr (ATT>ACT): c.665 T>C in exon 7 of the ACAD9 gene (NM_014049.4) A variant of unknown significance has been identified in the ACAD9 gene. The I222T missense substitution has not been published as a mutation, nor has it been reported as a benign polymorphism to our knowledge. I222T is a non-conservative amino acid substitution as a non-polar Isoleucine residue is replaced by a polar Threonine residue at a position in the ACAD9 protein that is not conserved across species. In silico algorithms are not consistent in their predictions of whether or not I222T is damaging to the structure/function of the ACAD9 protein. Therefore, based on the currently available information, it is unclear whether I222T is a disease-causing mutation or a rare benign variant. The variant is found in MITONUC-MITOP panel(s).

Natera, Inc.
Classification: Uncertain significance for ACAD9 deficiency. Last evaluated: 2020-12-15. Review status: no assertion criteria provided. Collection method: clinical testing. Allele origin: germline. Not counted in ClinVar's aggregate classification.